The following is an entry in ClinVar:

ClinVar aggregate classification (germline): Uncertain significance. Review status: criteria provided, multiple submitters, no conflicts (2 of 4 stars). 4 submissions from 4 submitters: Uncertain significance (3). 1 of the submissions does not count toward it. Last evaluated 2025-02-01.

Conditions:
PTRHD1-related disorder. Also called: PTRHD1-related condition.

Allele frequency attached by ClinVar (database versions not stated): ExAC 0.00015; 1000 Genomes Project 30x 0.00016; 1000 Genomes Project 0.00020; gnomAD 0.00029; TOPMed 0.00033; ESP Exome Variant Server 0.00038; gnomAD exomes 0.00065.

Submissions (4):

CeGaT Center for Human Genetics Tuebingen
Classification: Uncertain significance. Last evaluated: 2025-02-01. Review status: criteria provided, single submitter. Criteria: CeGaT Center For Human Genetics Tuebingen Variant Classification Criteria Version 2. Collection method: clinical testing. Allele origin: germline. Affected: yes. Observed: 1 variant allele.
Comment: PTRHD1: PM2:Supporting, BP4

Mayo Clinic Laboratories, Mayo Clinic
Classification: Uncertain significance. Last evaluated: 2023-04-27. Review status: criteria provided, single submitter. Criteria: ACMG Guidelines, 2015. Collection method: clinical testing. Allele origin: germline. Observed: 3 variant alleles.
Comment: BP4

Ambry Genetics
Classification: Uncertain significance. Last evaluated: 2022-07-13. Review status: criteria provided, single submitter. Criteria: Ambry Variant Classification Scheme 2023. Collection method: clinical testing. Allele origin: germline.

PreventionGenetics, part of Exact Sciences
Classification: Uncertain significance for PTRHD1-related condition. Last evaluated: 2024-08-12. Review status: no assertion criteria provided. Collection method: clinical testing. Allele origin: germline. Not counted in ClinVar's aggregate classification.
Comment: The PTRHD1 c.301A>G variant is predicted to result in the amino acid substitution p.Lys101Glu. To our knowledge, this variant has not been reported in the literature. This variant is reported in 0.051% of alleles in individuals of European (Non-Finnish) descent in gnomAD. Although we suspect that this variant may be benign, at this time, the clinical significance of this variant is uncertain due to the absence of conclusive functional and genetic evidence.

NM_001013663.2(PTRHD1):c.301A>G (p.Lys101Glu)

Gene: PTRHD1 (peptidyl-tRNA hydrolase domain containing 1; minus strand). Cytogenetic location: 2p23.3.
Variant type: single nucleotide variant.
Coding change: c.301A>G on transcript NM_001013663.2 (MANE Select); coding-DNA position 301, A replaced by G.
Protein change: p.Lys101Glu; replaces lysine 101 with glutamic acid.
Molecular consequence: missense variant.
Genome position (GRCh38, 1-based): chr2:24,790,533, T>C on the plus strand (A>G on the coding strand, the complement: PTRHD1 is on the minus strand). VCF-style: chr2-24790533-T-C. GRCh37 (hg19) VCF-style: chr2-25013402-T-C.
Other names: p.Lys101Glu; short protein forms K101E.
Identifiers: ClinVar variation 2360090 (VCV002360090.17), dbSNP rs138426814, ClinGen allele CA1552904.